The following is an entry in ClinVar:

ClinVar aggregate classification (germline): Pathogenic (1 of 4 stars; one submission).

Submission:

Labcorp Genetics (formerly Invitae), Labcorp
Classification: Pathogenic. Last evaluated: 2023-06-15. Review status: criteria provided, single submitter. Criteria: Invitae Variant Classification Sherloc (09022015). Collection method: clinical testing. Allele origin: unknown.
Comment: For these reasons, this variant has been classified as Pathogenic. This variant has not been reported in the literature in individuals affected with DGUOK-related conditions. This variant is a gross deletion of the genomic region encompassing exon(s) 2 of the DGUOK gene. This deletion is out-of-frame, and is expected to create a premature termination codon and result in an absent or disrupted protein product. Loss-of-function variants in DGUOK are known to be pathogenic (PMID: 18205204).

Literature cited by the submitters: PubMed 18205204.

NC_000002.11:g.(?_74166017)_(74166169_?)del

Gene: DGUOK (deoxyguanosine kinase; plus strand). Cytogenetic location: 2p13.1.
Variant type: Deletion.
Identifiers: ClinVar variation 3247576 (VCV003247576.1).